The following is an entry in ClinVar:

NM_000508.5(FGA):c.2545G>T (p.Ala849Ser)

Gene: FGA (fibrinogen alpha chain; minus strand). Cytogenetic location: 4q31.3.
Variant type: single nucleotide variant.
Coding change: c.2545G>T on transcript NM_000508.5; coding-DNA position 2545, G replaced by T.
Protein change: p.Ala849Ser; replaces alanine 849 with serine.
Molecular consequence: missense variant.
Genome position (GRCh38, 1-based): chr4:154,584,180, C>A on the plus strand (G>T on the coding strand, the complement: FGA is on the minus strand). VCF-style: chr4-154584180-C-A. GRCh37 (hg19) VCF-style: chr4-155505332-C-A.
Other names: short protein forms A849S.
Identifiers: ClinVar variation 2630904 (VCV002630904.1), dbSNP rs749807525, ClinGen allele CA358521719.

ClinVar aggregate classification (germline): Uncertain significance (1 of 4 stars; one submission).

Conditions:
FGA-related disorder. Also called: FGA-related disorders; FGA-related condition.

gnomAD v4.1: 3 of 1,611,208 alleles (0.00019%); highest among the groups gnomAD compares: South Asian, 0.0022%; no homozygotes.

Submission:

PreventionGenetics, part of Exact Sciences
Classification: Uncertain significance for FGA-related condition. Last evaluated: 2023-08-30. Review status: criteria provided, single submitter. Criteria: ACMG Guidelines, 2015. Collection method: clinical testing. Allele origin: germline.
Comment: The FGA c.2545G>T variant is predicted to result in the amino acid substitution p.Ala849Ser. To our knowledge, this variant has not been reported in the literature or in a large population database, indicating this variant is rare. At this time, the clinical significance of this variant is uncertain due to the absence of conclusive functional and genetic evidence.